The following is an entry in ClinVar:

NM_052865.4(MGME1):c.732-261G>A

Gene: MGME1 (mitochondrial genome maintenance exonuclease 1; plus strand). Cytogenetic location: 20p11.23.
Variant type: single nucleotide variant.
Coding change: c.732-261G>A on transcript NM_052865.4 (MANE Select); 261 bases into the intron before coding-DNA position 732, G replaced by A.
Molecular consequence: intron variant.
Genome position (GRCh38, 1-based): chr20:17,987,905, G>A. VCF-style: chr20-17987905-G-A. GRCh37 (hg19) VCF-style: chr20-17968548-G-A.
Other names: c.777-261G>A (NM_001310338.2); c.512-2034G>A (NM_001310339.2); c.492-261G>A (NM_001363738.2).
Identifiers: ClinVar variation 684256 (VCV000684256.1), dbSNP rs1064082, ClinGen allele CA14771085.

ClinVar aggregate classification (germline): Benign (1 of 4 stars; one submission).

Allele frequency attached by ClinVar (database versions not stated): TOPMed 0.68092; gnomAD 0.68748 and 0.68792; 1000 Genomes Project 0.70088.
gnomAD v4.1: 104,030 of 151,342 alleles (69%); highest among the groups gnomAD compares: African/African-American, 78%; 35,983 homozygotes.

Submission:

GeneDx
Classification: Benign. Last evaluated: 2018-06-14. Review status: criteria provided, single submitter. Criteria: GeneDx Variant Classification (06012015). Collection method: clinical testing. Allele origin: germline. Affected: yes.
Comment: This variant is considered likely benign or benign based on one or more of the following criteria: it is a conservative change, it occurs at a poorly conserved position in the protein, it is predicted to be benign by multiple in silico algorithms, and/or has population frequency not consistent with disease.